The following is an entry in ClinVar:

ClinVar aggregate classification (germline): Benign/Likely benign. Review status: criteria provided, multiple submitters, no conflicts (2 of 4 stars). 2 submissions from 2 submitters: Benign (1); Likely benign (1). Last evaluated 2026-01-31.

Conditions:
Methylmalonic acidemia with homocystinuria, type cblX (MAHCX). Also called: INTELLECTUAL DEVELOPMENTAL DISORDER, X-LINKED 3. Identifiers: Orphanet 369962, MedGen C0796208, MONDO:0010657, OMIM 309541.

Allele frequency attached by ClinVar (database versions not stated): gnomAD 0.00013 and 0.00016; gnomAD exomes 0.00017 and 0.00042; TOPMed 0.00023; ExAC 0.00048; 1000 Genomes Project 0.00053; 1000 Genomes Project 30x 0.00125.
gnomAD v4.1: 215 of 1,208,844 alleles (0.018%); highest among the groups gnomAD compares: East Asian, 0.53%; no homozygotes.

Submissions (2):

Labcorp Genetics (formerly Invitae), Labcorp
Classification: Benign for Methylmalonic acidemia with homocystinuria, type cblX. Last evaluated: 2026-01-31. Review status: criteria provided, single submitter. Criteria: Invitae Variant Classification Sherloc (09022015). Collection method: clinical testing. Allele origin: germline.

GeneDx
Classification: Likely benign. Last evaluated: 2016-12-15. Review status: criteria provided, single submitter. Criteria: GeneDx Variant Classification (06012015). Collection method: clinical testing. Allele origin: germline. Affected: yes.
Comment: This variant is considered likely benign or benign based on one or more of the following criteria: it is a conservative change, it occurs at a poorly conserved position in the protein, it is predicted to be benign by multiple in silico algorithms, and/or has population frequency not consistent with disease.

NM_005334.3(HCFC1):c.1119A>G (p.Val373=)

Gene: HCFC1 (host cell factor C1; minus strand). Cytogenetic location: Xq28.
Variant type: single nucleotide variant.
Coding change: c.1119A>G on transcript NM_005334.3 (MANE Select); coding-DNA position 1119, A replaced by G.
Protein change: p.Val373=; no amino-acid change (valine 373 retained).
Molecular consequence: synonymous variant.
Genome position (GRCh38, 1-based): chrX:153,960,127, T>C on the plus strand (A>G on the coding strand, the complement: HCFC1 is on the minus strand). VCF-style: chrX-153960127-T-C. GRCh37 (hg19) VCF-style: chrX-153225578-T-C.
Identifiers: ClinVar variation 391377 (VCV000391377.11), dbSNP rs782547175, ClinGen allele CA10557546.